The following is an entry in ClinVar:

NM_201253.3(CRB1):c.355T>G (p.Cys119Gly)

Gene: CRB1 (crumbs cell polarity complex component 1; plus strand). Cytogenetic location: 1q31.3.
Variant type: single nucleotide variant.
Coding change: c.355T>G on transcript NM_201253.3 (MANE Select); coding-DNA position 355, T replaced by G.
Protein change: p.Cys119Gly; replaces cysteine 119 with glycine.
Molecular consequence: missense variant. On other transcripts: non-coding transcript variant (2).
Genome position (GRCh38, 1-based): chr1:197,328,706, T>G. VCF-style: chr1-197328706-T-G. GRCh37 (hg19) VCF-style: chr1-197297836-T-G.
Other names: c.355T>G, p.Cys119Gly (NM_001193640.2, NM_001257966.2); c.148T>G, p.Cys50Gly (NM_001257965.2); short protein forms C119G, C50G.
Identifiers: ClinVar variation 1013813 (VCV001013813.11), dbSNP rs1658671611, ClinGen allele CA344085586.

ClinVar aggregate classification (germline): Uncertain significance. Review status: criteria provided, multiple submitters, no conflicts (2 of 4 stars). 5 submissions from 3 submitters: Uncertain significance (5). Last evaluated 2026-01-05.

Conditions:
Retinitis pigmentosa 12 (RP12). Also called: RP WITH OR WITHOUT PRESERVED PARAARTERIOLE RETINAL PIGMENT EPITHELIUM; RETINITIS PIGMENTOSA WITH OR WITHOUT PARAARTERIOLAR PRESERVATION OF RETINAL PIGMENT EPITHELIUM; RP WITH OR WITHOUT PPRPE. Identifiers: Orphanet 791, MedGen C1838647, MONDO:0010818, OMIM 600105.
Leber congenital amaurosis 8 (LCA8). Identifiers: Orphanet 65, MedGen C3151202, MONDO:0013453, OMIM 613835.
Pigmented paravenous retinochoroidal atrophy. Identifiers: Orphanet 251295, MedGen C1868310, MONDO:0008246, OMIM 172870.

Submissions (5):

Labcorp Genetics (formerly Invitae), Labcorp
Classification: Uncertain significance for Leber congenital amaurosis 8; Retinitis pigmentosa 12. Last evaluated: 2026-01-05. Review status: criteria provided, single submitter. Criteria: Invitae Variant Classification Sherloc (09022015). Collection method: clinical testing. Allele origin: germline.
Comment: This sequence change replaces cysteine, which is neutral and slightly polar, with glycine, which is neutral and non-polar, at codon 119 of the CRB1 protein (p.Cys119Gly). This variant is not present in population databases (gnomAD no frequency). This variant has not been reported in the literature in individuals affected with CRB1-related conditions. ClinVar contains an entry for this variant (Variation ID: 1013813). Invitae Evidence Modeling of protein sequence and biophysical properties (such as structural, functional, and spatial information, amino acid conservation, physicochemical variation, residue mobility, and thermodynamic stability) indicates that this missense variant is expected to disrupt CRB1 protein function with a positive predictive value of 80%. In summary, the available evidence is currently insufficient to determine the role of this variant in disease. Therefore, it has been classified as a Variant of Uncertain Significance.

Genome-Nilou Lab
Classification: Uncertain significance for Leber congenital amaurosis 8. Last evaluated: 2023-04-11. Review status: criteria provided, single submitter. Criteria: ACMG Guidelines, 2015. Collection method: clinical testing. Allele origin: germline. Affected: no.

Genome-Nilou Lab
Classification: Uncertain significance for Pigmented paravenous retinochoroidal atrophy. Last evaluated: 2023-04-11. Review status: criteria provided, single submitter. Criteria: ACMG Guidelines, 2015. Collection method: clinical testing. Allele origin: germline. Affected: no.

Genome-Nilou Lab
Classification: Uncertain significance for Retinitis pigmentosa 12. Last evaluated: 2023-04-11. Review status: criteria provided, single submitter. Criteria: ACMG Guidelines, 2015. Collection method: clinical testing. Allele origin: germline. Affected: no.

GeneDx
Classification: Uncertain significance. Last evaluated: 2019-07-30. Review status: criteria provided, single submitter. Criteria: GeneDx Variant Classification Process June 2021. Collection method: clinical testing. Allele origin: germline. Affected: yes.
Comment: Not observed in large population cohorts (Lek et al., 2016); In silico analysis, which includes protein predictors and evolutionary conservation, supports a deleterious effect; Has not been previously published as pathogenic or benign to our knowledge